The following is an entry in ClinVar:

ClinVar aggregate classification (germline): Likely pathogenic (1 of 4 stars; one submission).

Submission:

GeneDx
Classification: Likely pathogenic. Last evaluated: 2018-05-08. Review status: criteria provided, single submitter. Criteria: GeneDx Variant Classification (06012015). Collection method: clinical testing. Allele origin: germline. Affected: yes.
Comment: The c.869delA variant in the HACE1 gene has not been reported previously as a pathogenic variant nor as a benign variant, to our knowledge. The c.869delA variant causes a frameshift starting with codon Lysine 290, changes this amino acid to an Arginine residue, and creates a premature Stop codon at position 3 of the new reading frame, denoted p.Lys290ArgfsX3. This variant is predicted to cause loss of normal protein function either through protein truncation or nonsense-mediated mRNA decay. The c.869delA variant is not observed in large population cohorts (Lek et al., 2016). We interpret c.869delA as a likely pathogenic variant.

NM_020771.4(HACE1):c.869del (p.Lys290fs)

Gene: HACE1 (HECT domain and ankyrin repeat containing E3 ubiquitin protein ligase 1; minus strand). Cytogenetic location: 6q16.3.
Variant type: Deletion.
Coding change: c.869del on transcript NM_020771.4 (MANE Select); coding-DNA position 869, one base deleted (A; older notation c.869delA).
Protein change: p.Lys290fs; shifts the reading frame from lysine 290.
Molecular consequence: frameshift variant. On other transcripts: non-coding transcript variant (7).
Genome position (GRCh38, 1-based): chr6:104,795,633, T deleted on the plus strand (A on the coding strand, the reverse complement: HACE1 is on the minus strand); the first of 3 consecutive T bases (chr6:104,795,633-104,795,635); deleting any one gives the same sequence. VCF-style (leftmost placement, unchanged base first): chr6-104795632-CT-C. GRCh37 (hg19) VCF-style: chr6-105243507-CT-C.
Other names: c.383del, p.Lys128fs (NM_001350556.2); c.365del, p.Lys122fs (NM_001350557.2, NM_001350558.2, NM_001321084.2); c.287del, p.Lys96fs (NM_001350559.2); c.86del, p.Lys29fs (NM_001350560.2); c.737del, p.Lys246fs (NM_001321080.2); c.767del, p.Lys256fs (NM_001321083.2); c.635del, p.Lys212fs (NM_001350554.2); c.578del, p.Lys193fs (NM_001350555.2); short protein forms K128fs, K193fs, K256fs, K290fs, K246fs, K29fs, K96fs, K122fs.
Identifiers: ClinVar variation 545937 (VCV000545937.2), dbSNP rs1554244625, ClinGen allele CA658822731.